The following is an entry in ClinVar:

ClinVar aggregate classification (germline): Uncertain significance (1 of 4 stars; one submission).

Conditions:
Inborn genetic diseases. Identifiers: MedGen C0950123, MeSH D030342.

Submission:

Ambry Genetics
Classification: Uncertain significance for Inborn genetic diseases. Last evaluated: 2025-08-01. Review status: criteria provided, single submitter. Criteria: Ambry Variant Classification Scheme 2023. Collection method: clinical testing. Allele origin: germline.
Comment: The p.L505F variant (also known as c.1513C>T), located in coding exon 6 of the MBD4 gene, results from a C to T substitution at nucleotide position 1513. The leucine at codon 505 is replaced by phenylalanine, an amino acid with highly similar properties. This amino acid position is conserved. In addition, the in silico prediction for this alteration is inconclusive. Based on the available evidence, the clinical significance of this variant remains unclear.

NM_001276270.2(MBD4):c.1513C>T (p.Leu505Phe)

Gene: MBD4 (methyl-CpG binding domain 4, DNA glycosylase; minus strand). Cytogenetic location: 3q21.3.
Variant type: single nucleotide variant.
Coding change: c.1513C>T on transcript NM_001276270.2 (MANE Select); coding-DNA position 1513, C replaced by T.
Protein change: p.Leu505Phe; replaces leucine 505 with phenylalanine.
Molecular consequence: missense variant.
Genome position (GRCh38, 1-based): chr3:129,433,128, G>A on the plus strand (C>T on the coding strand, the complement: MBD4 is on the minus strand). VCF-style: chr3-129433128-G-A. GRCh37 (hg19) VCF-style: chr3-129151971-G-A.
Other names: c.1531C>T, p.Leu511Phe (NM_001276271.2, NM_001276272.2, NM_003925.3); c.577C>T, p.Leu193Phe (NM_001276273.2); short protein forms L193F, L505F, L511F.
Identifiers: ClinVar variation 4104631 (VCV004104631.1).